The following is an entry in ClinVar:

NM_000379.4(XDH):c.1276C>T (p.Arg426Trp)

Gene: XDH (xanthine dehydrogenase; minus strand). Cytogenetic location: 2p23.1.
Variant type: single nucleotide variant.
Coding change: c.1276C>T on transcript NM_000379.4 (MANE Select); coding-DNA position 1276, C replaced by T.
Protein change: p.Arg426Trp; replaces arginine 426 with tryptophan.
Molecular consequence: missense variant.
Genome position (GRCh38, 1-based): chr2:31,377,204, G>A on the plus strand (C>T on the coding strand, the complement: XDH is on the minus strand). VCF-style: chr2-31377204-G-A. GRCh37 (hg19) VCF-style: chr2-31600070-G-A.
Other names: c.1276C>T (NM_000379.3); short protein forms R426W.
Identifiers: ClinVar variation 1400205 (VCV001400205.8), dbSNP rs749209037, ClinGen allele CA1599277.

ClinVar aggregate classification (germline): Uncertain significance. Review status: criteria provided, multiple submitters, no conflicts (2 of 4 stars). 2 submissions from 2 submitters: Uncertain significance (2). Last evaluated 2025-04-25.

Conditions:
Inborn genetic diseases. Identifiers: MedGen C0950123, MeSH D030342.
Xanthinuria type II. Also called: Xanthine dehydrogenase and aldehyde oxidase combined deficiency of; XDH and AOX dual deficiency. Identifiers: Orphanet 3467, Orphanet 93602, MedGen C1863688, MONDO:0011346, OMIM 603592.

Allele frequency attached by ClinVar (database versions not stated): ExAC 0.00003; gnomAD 0.00004 and 0.00005; gnomAD exomes 0.00005.

Submissions (2):

Ambry Genetics
Classification: Uncertain significance for Inborn genetic diseases. Last evaluated: 2025-04-25. Review status: criteria provided, single submitter. Criteria: Ambry Variant Classification Scheme 2023. Collection method: clinical testing. Allele origin: germline.

Labcorp Genetics (formerly Invitae), Labcorp
Classification: Uncertain significance for Xanthinuria type II. Last evaluated: 2021-04-14. Review status: criteria provided, single submitter. Criteria: Invitae Variant Classification Sherloc (09022015). Collection method: clinical testing. Allele origin: germline.
Comment: This sequence change replaces arginine with tryptophan at codon 426 of the XDH protein (p.Arg426Trp). The arginine residue is highly conserved and there is a moderate physicochemical difference between arginine and tryptophan. This variant is present in population databases (rs749209037, ExAC 0.009%). This variant has not been reported in the literature in individuals with XDH-related conditions. Algorithms developed to predict the effect of missense changes on protein structure and function (SIFT, PolyPhen-2, Align-GVGD) all suggest that this variant is likely to be disruptive, but these predictions have not been confirmed by published functional studies and their clinical significance is uncertain. In summary, the available evidence is currently insufficient to determine the role of this variant in disease. Therefore, it has been classified as a Variant of Uncertain Significance.